The following is an entry in ClinVar:

ClinVar aggregate classification (germline): Uncertain significance (1 of 4 stars; one submission).

gnomAD v4.1: 1 of 1,614,162 alleles (0.000062%); highest among the groups gnomAD compares: Non-Finnish European, 0.000085%; no homozygotes.

Submission:

Ambry Genetics
Classification: Uncertain significance. Last evaluated: 2024-11-18. Review status: criteria provided, single submitter. Criteria: Ambry Variant Classification Scheme 2023. Collection method: clinical testing. Allele origin: germline.
Comment: The p.R979G variant (also known as c.2935A>G), located in coding exon 1 of the TET2 gene, results from an A to G substitution at nucleotide position 2935. The arginine at codon 979 is replaced by glycine, an amino acid with dissimilar properties. This amino acid position is conserved. In addition, this alteration is predicted to be tolerated by in silico analysis. Based on the available evidence, the clinical significance of this variant remains unclear.

NM_001127208.3(TET2):c.2935A>G (p.Arg979Gly)

Genes: TET2 (tet methylcytosine dioxygenase 2; plus strand), TET2-AS1 (TET2 antisense RNA 1; minus strand). Cytogenetic location: 4q24.
Variant type: single nucleotide variant.
Coding change: c.2935A>G on transcript NM_001127208.3 (MANE Select); coding-DNA position 2935, A replaced by G.
Protein change: p.Arg979Gly; replaces arginine 979 with glycine.
Molecular consequence: missense variant.
Genome position (GRCh38, 1-based): chr4:105,236,877, A>G. VCF-style: chr4-105236877-A-G. GRCh37 (hg19) VCF-style: chr4-106158034-A-G.
Other names: c.2935A>G, p.Arg979Gly (NM_017628.4); short protein forms R979G.
Identifiers: ClinVar variation 3455294 (VCV003455294.1).